The following is an entry in ClinVar:

ClinVar aggregate classification (germline): Uncertain significance (1 of 4 stars; one submission).

Conditions:
Inborn genetic diseases. Identifiers: MedGen C0950123, MeSH D030342.

Submission:

Ambry Genetics
Classification: Uncertain significance for Inborn genetic diseases. Last evaluated: 2022-06-15. Review status: criteria provided, single submitter. Criteria: Ambry Variant Classification Scheme 2023. Collection method: clinical testing. Allele origin: germline.
Comment: The p.P697A variant (also known as c.2089C>G), located in coding exon 13 of the EPAS1 gene, results from a C to G substitution at nucleotide position 2089. The proline at codon 697 is replaced by alanine, an amino acid with highly similar properties. This amino acid position is conserved. In addition, this alteration is predicted to be tolerated by in silico analysis. Since supporting evidence is limited at this time, the clinical significance of this alteration remains unclear.

NM_001430.5(EPAS1):c.2089C>G (p.Pro697Ala)

Gene: EPAS1 (endothelial PAS domain protein 1; plus strand). Cytogenetic location: 2p21.
Variant type: single nucleotide variant.
Coding change: c.2089C>G on transcript NM_001430.5 (MANE Select); coding-DNA position 2089, C replaced by G.
Protein change: p.Pro697Ala; replaces proline 697 with alanine.
Molecular consequence: missense variant.
Genome position (GRCh38, 1-based): chr2:46,381,639, C>G. VCF-style: chr2-46381639-C-G. GRCh37 (hg19) VCF-style: chr2-46608778-C-G.
Other names: short protein forms P697A.
Identifiers: ClinVar variation 1785683 (VCV001785683.2), dbSNP rs1684894178, ClinGen allele CA346705506.